The following is an entry in ClinVar:

NM_000231.3(SGCG):c.703_705delinsTTC (p.Leu235Phe)

Gene: SGCG (sarcoglycan gamma; plus strand). Cytogenetic location: 13q12.12.
Variant type: Indel.
Coding change: c.703_705delinsTTC on transcript NM_000231.3 (MANE Select); coding-DNA positions 703 to 705, CTT replaced by TTC.
Protein change: p.Leu235Phe; replaces leucine 235 with phenylalanine.
Molecular consequence: missense variant.
Genome position (GRCh38, 1-based): chr13:23,324,368-23,324,370, CTT replaced by TTC. VCF-style: chr13-23324368-CTT-TTC. GRCh37 (hg19) VCF-style: chr13-23898507-CTT-TTC.
Other names: c.703_705delCTTinsTTC, p.Leu235Phe (NM_000231.2); c.757_759delinsTTC, p.Leu253Phe (NM_001378244.1); c.703_705delinsTTC, p.Leu235Phe (NM_001378245.1, NM_001378246.1); short protein forms L235F, L253F.
Identifiers: ClinVar variation 3365909 (VCV003365909.1).

ClinVar aggregate classification (germline): Uncertain significance (1 of 4 stars; one submission).

Submission:

GeneDx
Classification: Uncertain significance. Last evaluated: 2024-04-17. Review status: criteria provided, single submitter. Criteria: GeneDx Variant Classification Process June 2021. Collection method: clinical testing. Allele origin: germline. Affected: yes.
Comment: In silico analysis supports a deleterious effect on protein structure/function; Has not been previously published as pathogenic or benign to our knowledge; Missense variants in this gene are a common cause of disease and they are underrepresented in the general population